The following is an entry in ClinVar:

NM_000421.5(KRT10):c.1459_1494del (p.His487_Gly498del)

Gene: KRT10 (keratin 10; minus strand). Cytogenetic location: 17q21.2.
Variant type: Deletion.
Coding change: c.1459_1494del on transcript NM_000421.5 (MANE Select); coding-DNA positions 1459 to 1494, 36 bases deleted.
Protein change: p.His487_Gly498del.
Genome position (GRCh38, 1-based): chr17:40,819,041-40,819,076, 36 bases deleted; deleting any 36 consecutive bases within chr17:40,819,041-40,819,088 gives the same sequence; the c. name uses the placement nearest the transcript's 3' end. GRCh37 (hg19): chr17:38,975,305-38,975,340.
Other names: c.1459_1494del, p.His487_Gly498del (NM_001379366.1).
Identifiers: ClinVar variation 3055364 (VCV003055364.2), dbSNP rs770927933, ClinGen allele CA8548008.
Genomic context (GRCh38, chr17:40,819,040, plus strand): 5'-TGGAGCTTCCGCCCCCGTAGCCGCCGCCGGAGCTTCCGCCGCCGGAGCTTCCGCCTCCGT[AGCCGCCGCCGGAACTGCCGCCGTGGCCGCCGCCGTG>A]GCCGCCGCCGGAGCTTCCGCCGCCGGAGCTTCCGCCGCCGTAGCCGCCGCCGAAACTTCC-3'

ClinVar aggregate classification (germline): Likely benign (0 of 4 stars; one submission).

Conditions:
KRT10-related disorder. Also called: KRT10-related condition.

Submission:

PreventionGenetics, part of Exact Sciences
Classification: Likely benign for KRT10-related condition. Last evaluated: 2019-02-21. Review status: no assertion criteria provided. Collection method: clinical testing. Allele origin: germline.
Comment: This variant is classified as likely benign based on ACMG/AMP sequence variant interpretation guidelines (Richards et al. 2015 PMID: 25741868, with internal and published modifications).